The following is an entry in ClinVar:

ClinVar aggregate classification (germline): Likely benign. Review status: criteria provided, multiple submitters, no conflicts (2 of 4 stars). 6 submissions from 6 submitters: Likely benign (6). Last evaluated 2025-07-18.

Conditions:
Vesicoureteral reflux 8 (VUR8). Identifiers: Orphanet 289365, MedGen C4014831, MONDO:0014422, OMIM 615963.
Ehlers-Danlos syndrome due to tenascin-X deficiency (EDSCLL1). Also called: TNX DEFICIENCY; EHLERS-DANLOS SYNDROME, CLASSIC-LIKE; Ehlers-Danlos syndrome, classic-like, 1; TNXB-Related Classical-Like Ehlers-Danlos Syndrome; EDS DUE TO TNX DEFICIENCY. Identifiers: Orphanet 230839, MedGen C1848029, MONDO:0011670, OMIM 606408.

Allele frequency attached by ClinVar (database versions not stated): gnomAD exomes 0.00233; ExAC 0.02581.

Submissions (6):

Mayo Clinic Laboratories, Mayo Clinic
Classification: Likely benign. Last evaluated: 2025-07-18. Review status: criteria provided, single submitter. Criteria: ACMG Guidelines, 2015. Collection method: clinical testing. Allele origin: germline. Observed: 10 variant alleles.
Comment: BS1

CeGaT Center for Human Genetics Tuebingen
Classification: Likely benign. Last evaluated: 2025-02-01. Review status: criteria provided, single submitter. Criteria: CeGaT Center For Human Genetics Tuebingen Variant Classification Criteria Version 2. Collection method: clinical testing. Allele origin: germline. Affected: yes. Observed: 4 variant alleles.
Comment: TNXB: BS1

Blueprint Genetics
Classification: Likely benign. Last evaluated: 2024-11-19. Review status: criteria provided, single submitter. Criteria: ACMG Guidelines, 2015. Collection method: clinical testing. Allele origin: germline.

Fulgent Genetics
Classification: Likely benign for Ehlers-Danlos syndrome due to tenascin-X deficiency; Vesicoureteral reflux 8. Last evaluated: 2022-04-01. Review status: criteria provided, single submitter. Criteria: ACMG Guidelines, 2015. Collection method: clinical testing. Allele origin: unknown.

GeneDx
Classification: Likely benign. Last evaluated: 2019-08-20. Review status: criteria provided, single submitter. Criteria: GeneDx Variant Classification Process June 2021. Collection method: clinical testing. Allele origin: germline. Affected: yes.

Breakthrough Genomics
Classification: Likely benign. Review status: criteria provided, single submitter. Criteria: ACMG Guidelines, 2015. Collection method: not provided. Allele origin: germline. Inheritance: Autosomal recessive inheritance. Affected: yes.

NM_001365276.2(TNXB):c.12592G>A (p.Ala4198Thr)

Genes: TNXB (tenascin XB; minus strand), LOC106780803 (tenascin XB recombination region; plus strand). Cytogenetic location: 6p21.33.
Variant type: single nucleotide variant.
Coding change: c.12592G>A on transcript NM_001365276.2 (MANE Select); coding-DNA position 12592, G replaced by A.
Protein change: p.Ala4198Thr; replaces alanine 4198 with threonine.
Molecular consequence: missense variant.
Genome position (GRCh38, 1-based): chr6:32,041,812, C>T on the plus strand (G>A on the coding strand, the complement: TNXB is on the minus strand). VCF-style: chr6-32041812-C-T. GRCh37 (hg19) VCF-style: chr6-32009589-C-T.
Other names: p.Ala4196Thr; c.12586G>A, p.Ala4196Thr (NM_019105.8); c.1879G>A, p.Ala627Thr (NM_032470.4); short protein forms A4196T, A4198T, A627T.
Identifiers: ClinVar variation 1193708 (VCV001193708.28), dbSNP rs756508366, ClinGen allele CA3732784.